The following is an entry in ClinVar:

NM_001329943.3(KIAA0586):c.4363_4364delinsAT (p.His1455Ile)

Gene: KIAA0586 (KIAA0586; plus strand). Cytogenetic location: 14q23.1.
Variant type: Indel.
Coding change: c.4363_4364delinsAT on transcript NM_001329943.3 (MANE Select); coding-DNA positions 4363 to 4364, CA replaced by AT.
Protein change: p.His1455Ile; replaces histidine 1455 with isoleucine.
Molecular consequence: missense variant.
Genome position (GRCh38, 1-based): chr14:58,512,561-58,512,562, CA replaced by AT. VCF-style: chr14-58512561-CA-AT. GRCh37 (hg19) VCF-style: chr14-58979279-CA-AT.
Other names: c.4522_4523delinsAT, p.His1508Ile (NM_001244189.2); c.4318_4319delinsAT, p.His1440Ile (NM_001244190.2); c.4108_4109delinsAT, p.His1370Ile (NM_001244191.2, NM_001329945.2, NM_001364700.1 and 1 more transcripts); c.4231_4232delinsAT, p.His1411Ile (NM_001244192.2, NM_001329947.2); c.3943_3944delinsAT, p.His1315Ile (NM_001244193.2); c.4363_4364delinsAT, p.His1455Ile (NM_001329944.2, NM_001329946.2); c.4135_4136delinsAT, p.His1379Ile (NM_014749.5); short protein forms H1508I, H1379I, H1411I, H1315I, H1370I, H1440I, H1455I.
Identifiers: ClinVar variation 1376185 (VCV001376185.4), dbSNP rs2141479904, ClinGen allele CA2573150076.

ClinVar aggregate classification (germline): Uncertain significance (1 of 4 stars; one submission).

Conditions:
Joubert syndrome 23 (JBTS23). Identifiers: Orphanet 475, MedGen C4084822, MONDO:0014664, OMIM 616490.
Short-rib thoracic dysplasia 14 with polydactyly (SRTD14). Identifiers: Orphanet 397715, MedGen C4225286, MONDO:0014688, OMIM 616546.

Submission:

Labcorp Genetics (formerly Invitae), Labcorp
Classification: Uncertain significance for Joubert syndrome 23; Short-rib thoracic dysplasia 14 with polydactyly. Last evaluated: 2023-11-07. Review status: criteria provided, single submitter. Criteria: Invitae Variant Classification Sherloc (09022015). Collection method: clinical testing. Allele origin: germline.
Comment: This sequence change replaces histidine, which is basic and polar, with isoleucine, which is neutral and non-polar, at codon 1508 of the KIAA0586 protein (p.His1508Ile). Information on the frequency of this variant in the gnomAD database is not available, as this variant may be reported differently in the database. This variant has not been reported in the literature in individuals affected with KIAA0586-related conditions. ClinVar contains an entry for this variant (Variation ID: 1376185). An algorithm developed to predict the effect of missense changes on protein structure and function (PolyPhen-2) suggests that this variant¬†is likely to be tolerated. In summary, the available evidence is currently insufficient to determine the role of this variant in disease. Therefore, it has been classified as a Variant of Uncertain Significance.